The following is an entry in ClinVar:

ClinVar aggregate classification (germline): Pathogenic (1 of 4 stars; one submission).

Submission:

Labcorp Genetics (formerly Invitae), Labcorp
Classification: Pathogenic. Last evaluated: 2022-11-15. Review status: criteria provided, single submitter. Criteria: Invitae Variant Classification Sherloc (09022015). Collection method: clinical testing. Allele origin: germline.
Comment: This variant is a gross deletion of the genomic region encompassing exon(s) 5 of the FERMT1 gene. This deletion is out-of-frame, and is expected to create a premature termination codon and result in an absent or disrupted protein product. Loss-of-function variants in FERMT1 are known to be pathogenic (PMID: 14962093, 21936020). For these reasons, this variant has been classified as Pathogenic. This variant has not been reported in the literature in individuals affected with FERMT1-related conditions.

Literature cited by the submitters: PubMed 14962093; PubMed 21936020.

NC_000020.10:g.(?_6090925)_(6091178_?)del

Gene: FERMT1 (FERM domain containing kindlin 1; minus strand). Cytogenetic location: 20p12.3.
Variant type: Deletion.
Identifiers: ClinVar variation 2426342 (VCV002426342.4).